The following is an entry in ClinVar:

NM_152419.3(HGSNAT):c.1750G>A (p.Val584Ile)

Gene: HGSNAT (heparan-alpha-glucosaminide N-acetyltransferase; plus strand). Cytogenetic location: 8p11.21.
Variant type: single nucleotide variant.
Coding change: c.1750G>A on transcript NM_152419.3 (MANE Select); coding-DNA position 1750, G replaced by A.
Protein change: p.Val584Ile; replaces valine 584 with isoleucine.
Molecular consequence: missense variant.
Genome position (GRCh38, 1-based): chr8:43,199,411, G>A. VCF-style: chr8-43199411-G-A. GRCh37 (hg19) VCF-style: chr8-43054554-G-A.
Other names: c.1837G>A, p.Val613Ile (NM_001363227.2); c.1558G>A, p.Val520Ile (NM_001363228.2); c.886G>A, p.Val296Ile (NM_001363229.2); short protein forms V296I, V520I, V613I, V584I.
Identifiers: ClinVar variation 2519908 (VCV002519908.4), dbSNP rs550696803, ClinGen allele CA4737019.

ClinVar aggregate classification (germline): Conflicting classifications of pathogenicity. Review status: criteria provided, conflicting classifications (1 of 4 stars). 3 submissions from 3 submitters: Uncertain significance (2); Benign (1). Last evaluated 2026-03-30.

Conditions:
HGSNAT-related disorder. Also called: HGSNAT-related condition.
Inborn genetic diseases. Identifiers: MedGen C0950123, MeSH D030342.

Allele frequency attached by ClinVar (database versions not stated): ExAC 0.00002; TOPMed 0.00002; gnomAD 0.00004; gnomAD exomes 0.00004; 1000 Genomes Project 30x 0.00031; 1000 Genomes Project 0.00040.
gnomAD v4.1: 62 of 1,603,786 alleles (0.0039%); highest among the groups gnomAD compares: Non-Finnish European, 0.0049%; no homozygotes.

Submissions (3):

PreventionGenetics, part of Exact Sciences
Classification: Benign for HGSNAT-related condition. Last evaluated: 2026-03-30. Review status: criteria provided, single submitter. Criteria: ACMG Guidelines, 2015. Collection method: clinical testing. Allele origin: germline.
Comment: This variant is classified as benign based on ACMG/AMP sequence variant interpretation guidelines (Richards et al. 2015 PMID: 25741868, with internal and published modifications).

Ambry Genetics
Classification: Uncertain significance for Inborn genetic diseases. Last evaluated: 2023-05-24. Review status: criteria provided, single submitter. Criteria: Ambry Variant Classification Scheme 2023. Collection method: clinical testing. Allele origin: germline.

Blueprint Genetics
Classification: Uncertain significance. Last evaluated: 2022-07-27. Review status: criteria provided, single submitter. Criteria: ACMG Guidelines, 2015. Collection method: clinical testing. Allele origin: germline.